The following is an entry in ClinVar:

NM_198253.3(TERT):c.2608T>A (p.Phe870Ile)

Gene: TERT (telomerase reverse transcriptase; minus strand). Cytogenetic location: 5p15.33.
Variant type: single nucleotide variant.
Coding change: c.2608T>A on transcript NM_198253.3 (MANE Select); coding-DNA position 2608, T replaced by A.
Protein change: p.Phe870Ile; replaces phenylalanine 870 with isoleucine.
Molecular consequence: missense variant. On other transcripts: non-coding transcript variant (2).
Genome position (GRCh38, 1-based): chr5:1,266,510, A>T on the plus strand (T>A on the coding strand, the complement: TERT is on the minus strand). VCF-style: chr5-1266510-A-T. GRCh37 (hg19) VCF-style: chr5-1266625-A-T.
Other names: c.2608T>A, p.Phe870Ile (NM_001193376.3); short protein forms F870I.
Identifiers: ClinVar variation 1163254 (VCV001163254.50), dbSNP rs1748617178, ClinGen allele CA359073254.

ClinVar aggregate classification (germline): Uncertain significance. Review status: criteria provided, multiple submitters, no conflicts (2 of 4 stars). 4 submissions from 4 submitters: Uncertain significance (4). Last evaluated 2025-12-09.

Conditions:
Dyskeratosis congenita. Identifiers: Orphanet 1775, MedGen C0265965, MONDO:0015780.
Idiopathic Pulmonary Fibrosis. Also called: Idiopathic fibrosing alveolitis, chronic form; idiopathic fibrosing alveolitis. Identifiers: Orphanet 2032, MedGen C1800706, MeSH D054990, MONDO:0800504.
Dyskeratosis congenita, autosomal dominant 2. Identifiers: MedGen C3151443, MONDO:0013521, OMIM 613989.

Allele frequency attached by ClinVar (database versions not stated): TOPMed below 0.00001.

Submissions (4):

Ambry Genetics
Classification: Uncertain significance for Dyskeratosis congenita. Last evaluated: 2025-12-09. Review status: criteria provided, single submitter. Criteria: Ambry Variant Classification Scheme 2023. Collection method: clinical testing. Allele origin: germline.
Comment: The p.F870I variant (also known as c.2608T>A), located in coding exon 10 of the TERT gene, results from a T to A substitution at nucleotide position 2608. The phenylalanine at codon 870 is replaced by isoleucine, an amino acid with highly similar properties. This amino acid position is highly conserved in available vertebrate species. In addition, this alteration is predicted to be deleterious by in silico analysis. Based on the available evidence, the clinical significance of this variant remains unclear.

GeneDx
Classification: Uncertain significance. Last evaluated: 2025-02-12. Review status: criteria provided, single submitter. Criteria: GeneDx Variant Classification Process June 2021. Collection method: clinical testing. Allele origin: germline. Affected: yes.
Comment: Not observed at significant frequency in large population cohorts (gnomAD); In silico analysis supports that this missense variant has a deleterious effect on protein structure/function; This variant is associated with the following publications: (PMID: 30523342)

Labcorp Genetics (formerly Invitae), Labcorp
Classification: Uncertain significance for Dyskeratosis congenita, autosomal dominant 2; Idiopathic Pulmonary Fibrosis. Last evaluated: 2024-04-11. Review status: criteria provided, single submitter. Criteria: Invitae Variant Classification Sherloc (09022015). Collection method: clinical testing. Allele origin: germline.
Comment: This sequence change replaces phenylalanine, which is neutral and non-polar, with isoleucine, which is neutral and non-polar, at codon 870 of the TERT protein (p.Phe870Ile). This variant is not present in population databases (gnomAD no frequency). This missense change has been observed in individual(s) with idiopathic pulmonary fibrosis (PMID: 30523342). ClinVar contains an entry for this variant (Variation ID: 1163254). Advanced modeling of protein sequence and biophysical properties (such as structural, functional, and spatial information, amino acid conservation, physicochemical variation, residue mobility, and thermodynamic stability) performed at Invitae indicates that this missense variant is expected to disrupt TERT protein function with a positive predictive value of 95%. In summary, the available evidence is currently insufficient to determine the role of this variant in disease. Therefore, it has been classified as a Variant of Uncertain Significance.

Mayo Clinic Laboratories, Mayo Clinic
Classification: Uncertain significance. Last evaluated: 2019-04-07. Review status: criteria provided, single submitter. Criteria: ACMG Guidelines, 2015. Collection method: clinical testing. Allele origin: germline. Observed: 2 variant alleles.

Literature cited by the submitters: PubMed 30523342 (cited by Labcorp Genetics (formerly Invitae), Labcorp).